The following is an entry in ClinVar:

ClinVar aggregate classification (germline): Pathogenic (1 of 4 stars; one submission).

Submission:

Labcorp Genetics (formerly Invitae), Labcorp
Classification: Pathogenic. Last evaluated: 2022-08-23. Review status: criteria provided, single submitter. Criteria: Invitae Variant Classification Sherloc (09022015). Collection method: clinical testing. Allele origin: germline.
Comment: For these reasons, this variant has been classified as Pathogenic. This sequence change replaces alanine, which is neutral and non-polar, with aspartic acid, which is acidic and polar, at codon 675 of the GRIN2D protein (p.Ala675Asp). This variant is not present in population databases (gnomAD no frequency). This missense change has been observed in individual(s) with clinical features of GRIN2D-related conditions (Invitae). In at least one individual the variant was observed to be de novo. ClinVar contains an entry for this variant (Variation ID: 1499341). Advanced modeling of protein sequence and biophysical properties (such as structural, functional, and spatial information, amino acid conservation, physicochemical variation, residue mobility, and thermodynamic stability) performed at Invitae indicates that this missense variant is expected to disrupt GRIN2D protein function. This variant disrupts the p.Ala675 amino acid residue in GRIN2D. Other variant(s) that disrupt this residue have been observed in individuals with GRIN2D-related conditions (PMID: 31504254; Invitae), which suggests that this may be a clinically significant amino acid residue.

Literature cited by the submitters: PubMed 31504254.

NM_000836.4(GRIN2D):c.2024C>A (p.Ala675Asp)

Gene: GRIN2D (glutamate ionotropic receptor NMDA type subunit 2D; plus strand). Cytogenetic location: 19q13.33.
Variant type: single nucleotide variant.
Coding change: c.2024C>A on transcript NM_000836.4 (MANE Select); coding-DNA position 2024, C replaced by A.
Protein change: p.Ala675Asp; replaces alanine 675 with aspartic acid.
Molecular consequence: missense variant.
Genome position (GRCh38, 1-based): chr19:48,419,747, C>A. VCF-style: chr19-48419747-C-A. GRCh37 (hg19) VCF-style: chr19-48923004-C-A.
Other names: short protein forms A675D.
Identifiers: ClinVar variation 1499341 (VCV001499341.6), dbSNP rs1600982197, ClinGen allele CA406698307.